The following is an entry in ClinVar:

NM_000179.3(MSH6):c.217A>C (p.Asn73His)

Gene: MSH6 (mutS homolog 6; plus strand). Cytogenetic location: 2p16.3.
Variant type: single nucleotide variant.
Coding change: c.217A>C on transcript NM_000179.3 (MANE Select); coding-DNA position 217, A replaced by C.
Protein change: p.Asn73His; replaces asparagine 73 with histidine.
Molecular consequence: missense variant. On other transcripts: synonymous variant (1), 5 prime UTR variant (7), non-coding transcript variant (5), intron variant (5).
Genome position (GRCh38, 1-based): chr2:47,783,450, A>C. VCF-style: chr2-47783450-A-C. GRCh37 (hg19) VCF-style: chr2-48010589-A-C.
Other names: c.217A>C, p.Asn73His (NM_001406800.1, NM_001406802.1, NM_001406803.1 and 9 more transcripts); c.162A>C, p.Ser54= (NM_001406804.1); c.-520A>C (NM_001406811.1, NM_001281493.2); c.-712A>C (NM_001406807.1); c.-367A>C (NM_001406812.1); c.-112A>C (NM_001406799.1); c.-778A>C (NM_001406814.1); c.-323A>C (NM_001406816.1); and 3 more; short protein forms N73H.
Identifiers: ClinVar variation 2453208 (VCV002453208.2), dbSNP rs2103942860, ClinGen allele CA346735076.

ClinVar aggregate classification (germline): Uncertain significance (1 of 4 stars; one submission).

Conditions:
Hereditary cancer-predisposing syndrome. Also called: Neoplastic Syndromes, Hereditary; Tumor predisposition; Hereditary neoplastic syndrome; Hereditary Cancer Syndrome. Identifiers: Orphanet 140162, MedGen C0027672, MeSH D009386, MONDO:0015356.

Submission:

Ambry Genetics
Classification: Uncertain significance for Hereditary cancer-predisposing syndrome. Last evaluated: 2023-02-16. Review status: criteria provided, single submitter. Criteria: Ambry Variant Classification Scheme 2023. Collection method: clinical testing. Allele origin: germline.
Comment: The p.N73H variant (also known as c.217A>C), located in coding exon 1 of the MSH6 gene, results from an A to C substitution at nucleotide position 217. The asparagine at codon 73 is replaced by histidine, an amino acid with similar properties. This amino acid position is conserved. In addition, this alteration is predicted to be tolerated by in silico analysis. Since supporting evidence is limited at this time, the clinical significance of this alteration remains unclear.